The following is an entry in ClinVar:

ClinVar aggregate classification (germline): Likely benign. Review status: criteria provided, multiple submitters, no conflicts (2 of 4 stars). 2 submissions from 2 submitters: Likely benign (2). Last evaluated 2025-03-20.

Conditions:
Juvenile polyposis/hereditary hemorrhagic telangiectasia syndrome (JPHT). Also called: JP/HHT SYNDROME; JUVENILE POLYPOSIS WITH HEREDITARY HEMORRHAGIC TELANGIECTASIA; POLYPOSIS, GENERALIZED JUVENILE, WITH PULMONARY ARTERIOVENOUS MALFORMATION; TELANGIECTASIA, HEREDITARY HEMORRHAGIC, WITH JUVENILE POLYPOSIS COLI; Juvenile Polyposis Syndrome / Hereditary Hemorrhagic Telangiectasia (JPS/HHT). Identifiers: Orphanet 2929, MedGen C1832942, MONDO:0008278, OMIM 175050.
Juvenile polyposis syndrome (JPS). Identifiers: Orphanet 2929, MedGen C0345893, MONDO:0017380, OMIM 174900.

Allele frequency attached by ClinVar (database versions not stated): gnomAD exomes below 0.00001; TOPMed below 0.00001.
gnomAD v4.1: 1 of 1,610,446 alleles (0.000062%); highest among the groups gnomAD compares: Non-Finnish European, 0.000085%; no homozygotes.

Submissions (2):

Myriad Genetics, Inc.
Classification: Likely benign for Juvenile polyposis/hereditary hemorrhagic telangiectasia syndrome. Last evaluated: 2025-03-20. Review status: criteria provided, single submitter. Criteria: Myriad Autosomal Dominant, Autosomal Recessive and X-Linked Classification Criteria (2023). Collection method: clinical testing. Allele origin: unknown.
Comment: This variant is considered likely benign. This variant is intronic and is not expected to impact mRNA splicing.

Labcorp Genetics (formerly Invitae), Labcorp
Classification: Likely benign for Juvenile polyposis syndrome. Last evaluated: 2024-01-24. Review status: criteria provided, single submitter. Criteria: Invitae Variant Classification Sherloc (09022015). Collection method: clinical testing. Allele origin: germline.

NM_005359.6(SMAD4):c.905-11C>T

Gene: SMAD4 (SMAD family member 4; plus strand). Cytogenetic location: 18q21.2.
Variant type: single nucleotide variant.
Coding change: c.905-11C>T on transcript NM_005359.6 (MANE Select); 11 bases into the intron before coding-DNA position 905, C replaced by T.
Molecular consequence: intron variant.
Genome position (GRCh38, 1-based): chr18:51,059,855, C>T. VCF-style: chr18-51059855-C-T. GRCh37 (hg19) VCF-style: chr18-48586225-C-T.
Other names: c.905-11C>T (NM_001407042.1, NM_001407041.1, NM_001407043.1).
Identifiers: ClinVar variation 2877793 (VCV002877793.4), dbSNP rs1224432139, ClinGen allele CA629588281.
Genomic context (GRCh38, chr18:51,059,855, plus strand): 5'-ATTTACTGAAAGTTTTAGCATTAGACAACTTTTAGTAAATAAAAATGGAATTTTTGTTGT[C>T]TTTTCTTTAGGGCCTGTTCACAATGAGCTTGCATTCCAGCCTCCCATTTCCAATCATCCT-3'